The following is an entry in ClinVar:

NM_002890.3(RASA1):c.62GCG[1] (p.Gly22del)

Gene: RASA1 (RAS p21 protein activator 1; plus strand). Cytogenetic location: 5q14.3.
Variant type: Microsatellite.
Coding change: c.62GCG[1] on transcript NM_002890.3 (MANE Select); one copy of the 3-base unit GCG starting at c.62; the reference has two copies in a row; one copy, 3 bases deleted.
Protein change: p.Gly22del; deletes glycine 22.
Molecular consequence: inframe deletion.
Genome position (GRCh38, 1-based): chr5:87,268,516-87,268,518, GCG deleted; deleting any 3 consecutive bases within chr5:87,268,512-87,268,518 gives the same sequence; the position shown is the placement nearest the transcript's 3' end. VCF-style (leftmost placement, unchanged base first): chr5-87268511-AGGC-A. GRCh37 (hg19) VCF-style: chr5-86564328-AGGC-A.
Other names: short protein forms G22del.
Identifiers: ClinVar variation 4699688 (VCV004699688.1).

ClinVar aggregate classification (germline): Uncertain significance (1 of 4 stars; one submission).

Conditions:
Capillary malformation-arteriovenous malformation syndrome. Also called: Capillary malformation-arteriovenous malformation. Identifiers: Orphanet 137667, MedGen C1842180, MONDO:0012016.

Submission:

Labcorp Genetics (formerly Invitae), Labcorp
Classification: Uncertain significance for Capillary malformation-arteriovenous malformation syndrome. Last evaluated: 2025-05-29. Review status: criteria provided, single submitter. Criteria: Invitae Variant Classification Sherloc (09022015). Collection method: clinical testing. Allele origin: germline.
Comment: This variant, c.65_67del, results in the deletion of 1 amino acid(s) of the RASA1 protein (p.Gly22del), but otherwise preserves the integrity of the reading frame. This variant is present in population databases (rs749204950, gnomAD 0.001%). This variant has not been reported in the literature in individuals affected with RASA1-related conditions. Experimental studies and prediction algorithms are not available or were not evaluated, and the functional significance of this variant is currently unknown. In summary, the available evidence is currently insufficient to determine the role of this variant in disease. Therefore, it has been classified as a Variant of Uncertain Significance.